The following is an entry in ClinVar:

NM_000051.4(ATM):c.-1C>T

Gene: ATM (ATM serine/threonine kinase; plus strand). Cytogenetic location: 11q22.3.
Variant type: single nucleotide variant.
Coding change: c.-1C>T on transcript NM_000051.4 (MANE Select); 1 bases upstream of the start codon, C replaced by T.
Molecular consequence: 5 prime UTR variant.
Genome position (GRCh38, 1-based): chr11:108,227,624, C>T. VCF-style: chr11-108227624-C-T. GRCh37 (hg19) VCF-style: chr11-108098351-C-T.
Other names: c.-1C>T (NM_001351834.2, NM_001351835.2, NM_001351836.2).
Identifiers: ClinVar variation 918823 (VCV000918823.8), dbSNP rs2078804456, ClinGen allele CA913188359.

ClinVar aggregate classification (germline): Uncertain significance. Review status: criteria provided, multiple submitters, no conflicts (2 of 4 stars). 3 submissions from 3 submitters: Uncertain significance (3). Last evaluated 2026-07-14.

Conditions:
Hereditary cancer-predisposing syndrome. Also called: Hereditary Cancer Syndrome; Neoplastic Syndromes, Hereditary; Tumor predisposition; Hereditary neoplastic syndrome. Identifiers: Orphanet 140162, MedGen C0027672, MeSH D009386, MONDO:0015356.
Hereditary breast ovarian cancer syndrome. Also called: Hereditary breast and ovarian cancer syndrome (HBOC); Hereditary breast and ovarian cancer; Hereditary breast and/or ovarian cancer syndrome; BRCA1- and BRCA2-Associated Hereditary Breast and Ovarian Cancer; Breast and ovarian cancer; Hereditary breast and ovarian cancer syndrome. Identifiers: Orphanet 145, MedGen C0677776, MeSH D061325, MONDO:0003582. Disease mechanism: loss of function.

Submissions (3):

German Consortium for Hereditary Breast and Ovarian Cancer, University Hospital Cologne
Classification: Uncertain significance for Hereditary breast ovarian cancer syndrome. Last evaluated: 2026-07-14. Review status: criteria provided, single submitter. Criteria: ClinGen ATM V1.5.0. Collection method: curation. Allele origin: germline.
Comment: This classification follows the ClinGen ACMG ATM v1.5.0 classification scheme; We chose these criteria: PM2 (supporting pathogenic): absent from gnomAD v2/3/4, BS3 (supporting benign): Lee (2025, PMID: 40580951): FUNCTIONAL

Center for Genomic Medicine, Rigshospitalet, Copenhagen University Hospital
Classification: Uncertain significance. Last evaluated: 2025-03-04. Review status: criteria provided, single submitter. Criteria: ACMG Guidelines, 2015. Collection method: clinical testing. Allele origin: germline.

Color Diagnostics, LLC DBA Color Health
Classification: Uncertain significance for Hereditary cancer-predisposing syndrome. Last evaluated: 2019-01-16. Review status: criteria provided, single submitter. Criteria: ACMG Guidelines, 2015. Collection method: clinical testing. Allele origin: germline.